The following is an entry in ClinVar:

NM_000548.5(TSC2):c.3835T>A (p.Tyr1279Asn)

Gene: TSC2 (TSC complex subunit 2; plus strand). Cytogenetic location: 16p13.3.
Variant type: single nucleotide variant.
Coding change: c.3835T>A on transcript NM_000548.5 (MANE Select); coding-DNA position 3835, T replaced by A.
Protein change: p.Tyr1279Asn; replaces tyrosine 1279 with asparagine.
Molecular consequence: missense variant. On other transcripts: intron variant (33), non-coding transcript variant (1).
Genome position (GRCh38, 1-based): chr16:2,082,456, T>A. VCF-style: chr16-2082456-T-A. GRCh37 (hg19) VCF-style: chr16-2132457-T-A.
Other names: c.3082+658T>A (NM_001406688.1, NM_001406687.1); c.3625+658T>A (NM_001406677.1); c.3667+658T>A (NM_001406675.1); c.3664+658T>A (NM_001406676.1); c.3538+658T>A (NM_001318829.2); c.3535+658T>A (NM_001406679.1); c.3085+658T>A (NM_001406686.1, NM_001406685.1); c.3715+658T>A (NM_001318832.2); and 25 more; short protein forms Y1235N, Y1079N, Y1278N, Y788N, Y1236N, Y1279N, Y1035N, Y787N.
Identifiers: ClinVar variation 4192162 (VCV004192162.1).

ClinVar aggregate classification (germline): Uncertain significance (1 of 4 stars; one submission).

Conditions:
Hereditary cancer-predisposing syndrome. Also called: Neoplastic Syndromes, Hereditary; Tumor predisposition; Hereditary Cancer Syndrome; Hereditary neoplastic syndrome. Identifiers: Orphanet 140162, MedGen C0027672, MeSH D009386, MONDO:0015356.

Submission:

Ambry Genetics
Classification: Uncertain significance for Hereditary cancer-predisposing syndrome. Last evaluated: 2025-07-22. Review status: criteria provided, single submitter. Criteria: Ambry Variant Classification Scheme 2023. Collection method: clinical testing. Allele origin: germline.
Comment: The p.Y1279N variant (also known as c.3835T>A), located in coding exon 31 of the TSC2 gene, results from a T to A substitution at nucleotide position 3835. The tyrosine at codon 1279 is replaced by asparagine, an amino acid with dissimilar properties. This amino acid position is conserved. In addition, the in silico prediction for this alteration is inconclusive. Based on the available evidence, the clinical significance of this variant remains unclear.